The following is an entry in ClinVar:

NM_001004334.4(GPR179):c.3568C>T (p.Arg1190Trp)

Gene: GPR179 (G protein-coupled receptor 179; minus strand). Cytogenetic location: 17q12.
Variant type: single nucleotide variant.
Coding change: c.3568C>T on transcript NM_001004334.4 (MANE Select); coding-DNA position 3568, C replaced by T.
Protein change: p.Arg1190Trp; replaces arginine 1190 with tryptophan.
Molecular consequence: missense variant.
Genome position (GRCh38, 1-based): chr17:38,330,001, G>A on the plus strand (C>T on the coding strand, the complement: GPR179 is on the minus strand). VCF-style: chr17-38330001-G-A. GRCh37 (hg19) VCF-style: chr17-36485884-G-A.
Other names: short protein forms R1190W.
Identifiers: ClinVar variation 282574 (VCV000282574.15), dbSNP rs200978744, ClinGen allele CA10604221.

ClinVar aggregate classification (germline): Uncertain significance. Review status: criteria provided, multiple submitters, no conflicts (2 of 4 stars). 5 submissions from 5 submitters: Uncertain significance (5). Last evaluated 2025-08-08.

Conditions:
Inborn genetic diseases. Identifiers: MedGen C0950123, MeSH D030342.
Congenital stationary night blindness 1E. Also called: Night blindness, congenital stationary (complete), 1E, autosomal recessive. Identifiers: Orphanet 215, MedGen C3281215, MONDO:0013807, OMIM 614565.

Allele frequency attached by ClinVar (database versions not stated): gnomAD exomes 0.00004 and 0.00006; ExAC 0.00005; ESP Exome Variant Server 0.00008; TOPMed 0.00015; gnomAD 0.00016 and 0.00017.

Submissions (5):

Ambry Genetics
Classification: Uncertain significance for Inborn genetic diseases. Last evaluated: 2025-08-08. Review status: criteria provided, single submitter. Criteria: Ambry Variant Classification Scheme 2023. Collection method: clinical testing. Allele origin: germline.

Labcorp Genetics (formerly Invitae), Labcorp
Classification: Uncertain significance. Last evaluated: 2024-10-16. Review status: criteria provided, single submitter. Criteria: Invitae Variant Classification Sherloc (09022015). Collection method: clinical testing. Allele origin: germline.
Comment: This sequence change replaces arginine, which is basic and polar, with tryptophan, which is neutral and slightly polar, at codon 1190 of the GPR179 protein (p.Arg1190Trp). This variant is present in population databases (rs200978744, gnomAD 0.1%). This variant has not been reported in the literature in individuals affected with GPR179-related conditions. ClinVar contains an entry for this variant (Variation ID: 282574). An algorithm developed to predict the effect of missense changes on protein structure and function (PolyPhen-2) suggests that this variant is likely to be tolerated. In summary, the available evidence is currently insufficient to determine the role of this variant in disease. Therefore, it has been classified as a Variant of Uncertain Significance.

Blueprint Genetics
Classification: Uncertain significance. Last evaluated: 2024-08-20. Review status: criteria provided, single submitter. Criteria: ACMG Guidelines, 2015. Collection method: clinical testing. Allele origin: germline.

Illumina Laboratory Services, Illumina
Classification: Uncertain significance for Congenital stationary night blindness 1E. Last evaluated: 2018-01-12. Review status: criteria provided, single submitter. Criteria: ICSL Variant Classification Criteria 13 December 2019. Collection method: clinical testing. Allele origin: germline.

Eurofins Ntd Llc (ga)
Classification: Uncertain significance. Last evaluated: 2015-08-27. Review status: criteria provided, single submitter. Criteria: EGL Classification Definitions 2015. Collection method: clinical testing. Allele origin: germline. Observed: 1 variant allele, 1 heterozygote.